The following is an entry in ClinVar:

ClinVar aggregate classification (germline): Likely pathogenic (1 of 4 stars; one submission).

Conditions:
Recessive dystrophic epidermolysis bullosa (RDEB). Also called: epidermolysis bullosa dystrophica, autosomal recessive; DYSTROPHIC EPIDERMOLYSIS BULLOSA, AUTOSOMAL RECESSIVE; EPIDERMOLYSIS BULLOSA DYSTROPHICA, HALLOPEAU-SIEMENS TYPE; EPIDERMOLYSIS BULLOSA DYSTROPHICA, GENERALIZED SEVERE, AUTOSOMAL RECESSIVE; Hallopeau-Siemens Disease; Recessive DEB (RDEB). Identifiers: Orphanet 79408, Orphanet 79409, MedGen C0079474, MONDO:0009179, OMIM 226600.
Pretibial dystrophic epidermolysis bullosa. Also called: EPIDERMOLYSIS BULLOSA DYSTROPHICA, PRETIBIAL; Pretibial epidermolysis bullosa; Pretibial blistering. Identifiers: Orphanet 79410, MedGen C0432321, MONDO:0007552, OMIM 131850, HP:0012221.
Epidermolysis bullosa pruriginosa. Also called: DEB, PRURIGINOSA; DYSTROPHIC EPIDERMOLYSIS BULLOSA PRURIGINOSA. Identifiers: Orphanet 89843, MedGen C1275114, MONDO:0011398, OMIM 604129.

Submission:

3billion
Classification: Likely pathogenic for Recessive dystrophic epidermolysis bullosa; Epidermolysis bullosa pruriginosa; Pretibial dystrophic epidermolysis bullosa. Last evaluated: 2024-02-23. Review status: criteria provided, single submitter. Criteria: ACMG Guidelines, 2015. Collection method: clinical testing. Allele origin: germline. Affected: yes.
Comment: The variant is not observed in the gnomAD v2.1.1 dataset. Predicted Consequence/Location: The variant is located in a mutational hot spot and/or well-established functional domain in which established pathogenic variants have been reported (PMID: 27899325). In silico tool predictions suggest damaging effect of the variant on gene or gene product [REVEL: 0.92 (>=0.6, sensitivity 0.68 and specificity 0.92)]. A different missense change at the same codon (p.Gly1890Val) has been reported to be associated with COL7A1 related disorder (PMID: 35979658). Therefore, this variant is classified as Likely pathogenic according to the recommendation of ACMG/AMP guideline.

Literature cited by the submitters: PubMed 27899325; PubMed 35979658.

NM_000094.4(COL7A1):c.5668G>A (p.Gly1890Ser)

Gene: COL7A1 (collagen type VII alpha 1 chain; minus strand). Cytogenetic location: 3p21.31.
Variant type: single nucleotide variant.
Coding change: c.5668G>A on transcript NM_000094.4 (MANE Select); coding-DNA position 5668, G replaced by A.
Protein change: p.Gly1890Ser; replaces glycine 1890 with serine.
Molecular consequence: missense variant.
Genome position (GRCh38, 1-based): chr3:48,576,708, C>T on the plus strand (G>A on the coding strand, the complement: COL7A1 is on the minus strand). VCF-style: chr3-48576708-C-T. GRCh37 (hg19) VCF-style: chr3-48614141-C-T.
Other names: short protein forms G1890S.
Identifiers: ClinVar variation 1526197 (VCV001526197.2), dbSNP rs2107682264, ClinGen allele CA352667779.